The following is an entry in ClinVar:

NM_000202.8(IDS):c.1298_1306del (p.Arg433_Gly435del)

Gene: IDS (iduronate 2-sulfatase; minus strand). Cytogenetic location: Xq28.
Variant type: Deletion.
Coding change: c.1298_1306del on transcript NM_000202.8 (MANE Select); coding-DNA positions 1298 to 1306, 9 bases deleted (GAGAAGGCA; older notation c.1298_1306delGAGAAGGCA).
Protein change: p.Arg433_Gly435del.
Molecular consequence: inframe deletion.
Genome position (GRCh38, 1-based): chrX:149,483,093-149,483,101, TGCCTTCTC deleted on the plus strand (GAGAAGGCA on the coding strand, the reverse complement: IDS is on the minus strand); deleting any 9 consecutive bases within chrX:149,483,093-149,483,104 gives the same sequence; the c. name uses the placement nearest the transcript's 3' end. VCF-style (leftmost placement, unchanged base first): chrX-149483092-TTGCCTTCTC-T. GRCh37 (hg19) VCF-style: chrX-148564623-TTGCCTTCTC-T.
Other names: c.1028_1036del, p.Arg343_Gly345del (NM_001166550.4).
Identifiers: ClinVar variation 3256023 (VCV003256023.2).

ClinVar aggregate classification (germline): Likely pathogenic (1 of 4 stars; one submission).

Conditions:
Mucopolysaccharidosis, MPS-II (MPS2). Also called: Hunter Syndrome; IDURONATE 2-SULFATASE DEFICIENCY; Mucopolysaccharidosis Type II; Mucopolysaccharidosis type 2; Attenuated MPS (subtype; formerly known as mild MPS II); Severe MPS II. Identifiers: Orphanet 580, Orphanet 79388, MedGen C0026705, MONDO:0010674, OMIM 309900.

Submission:

Laboratory of Diagnosis and Therapy of Lysosomal Disorders, University of Padova
Classification: Likely pathogenic for Mucopolysaccharidosis, MPS-II. Last evaluated: 2024-06-07. Review status: criteria provided, single submitter. Criteria: ACMG Guidelines, 2015. Collection method: literature only. Allele origin: germline. Affected: yes. Observed: 1 variant allele.
Comment: Absent from controls (or at low frequency) in gnomAD database (PM2_Moderate), Protein length changes in a nonrepeat region or stop–loss variants (PM4_Moderate), Multiple lines of computational evidence support a deleterious effect (PP3_Supporting), Patient’s phenotype or family history highly specific for the disease (PP4_Strong)

Classification method: ACMG Guidelines [PMID:25741868] with modifications

Literature cited by the submitters: PubMed 9660053.